The following is an entry in ClinVar:

NM_001276379.2(LZTFL1):c.10C>G (p.Gln4Glu)

Gene: LZTFL1 (leucine zipper transcription factor like 1; minus strand). Cytogenetic location: 3p21.31.
Variant type: single nucleotide variant.
Coding change: c.10C>G on transcript NM_001276379.2; coding-DNA position 10, C replaced by G.
Protein change: p.Gln4Glu; replaces glutamine 4 with glutamic acid.
Molecular consequence: missense variant. On other transcripts: 5 prime UTR variant (4), non-coding transcript variant (1).
Genome position (GRCh38, 1-based): chr3:45,913,137, G>C on the plus strand (C>G on the coding strand, the complement: LZTFL1 is on the minus strand). VCF-style: chr3-45913137-G-C. GRCh37 (hg19) VCF-style: chr3-45954629-G-C.
Other names: c.-155C>G (NM_001276378.2, NM_001405927.1); c.10C>G, p.Gln4Glu (NM_001405920.1, NM_001405921.1, NM_001405925.1); c.-194C>G (NM_001405923.1, NM_001405926.1); short protein forms Q4E.
Identifiers: ClinVar variation 3049487 (VCV003049487.2), dbSNP rs1265272469, ClinGen allele CA352436737.
Genomic context (GRCh38, chr3:45,913,137, plus strand): 5'-AACGCAGTAGCAGTAATATGTTCTGTAAATGGTTCAGACTTACCATCTTCCCTGGGTCTT[G>C]GTTCCTCATCTGTAAAAGTGGGCTGACTTACAGCAAGAGCCTAGAAAATTATACAATTAC-3'

ClinVar aggregate classification (germline): Uncertain significance (0 of 4 stars; one submission).

Conditions:
LZTFL1-related disorder. Also called: LZTFL1-related condition.

Allele frequency attached by ClinVar (database versions not stated): TOPMed 0.00001; gnomAD 0.00003.
gnomAD v4.1: 35 of 1,535,864 alleles (0.0023%); highest among the groups gnomAD compares: Non-Finnish European, 0.0029%; no homozygotes.

Submission:

PreventionGenetics, part of Exact Sciences
Classification: Uncertain significance for LZTFL1-related condition. Last evaluated: 2024-03-29. Review status: no assertion criteria provided. Collection method: clinical testing. Allele origin: germline.
Comment: The LZTFL1 c.10C>G variant is predicted to result in the amino acid substitution p.Gln4Glu. To our knowledge, this variant has not been reported in the literature. This variant is reported in 0.0044% of alleles in individuals of European (Non-Finnish) descent in gnomAD. At this time, the clinical significance of this variant is uncertain due to the absence of conclusive functional and genetic evidence.